The following is an entry in ClinVar:

ClinVar aggregate classification (germline): Likely pathogenic (1 of 4 stars; one submission).

Conditions:
3-methylglutaconic aciduria with deafness, encephalopathy, and Leigh-like syndrome (MEGDEL). Also called: 3-METHYLGLUTACONIC ACIDURIA, TYPE VI; SERAC1 Deficiency; MEGDEL syndrome. Identifiers: Orphanet 352328, MedGen C4040739, MONDO:0013875, OMIM 614739.

Allele frequency attached by ClinVar (database versions not stated): TOPMed below 0.00001; gnomAD 0.00001.
gnomAD v4.1: 2 of 1,610,072 alleles (0.00012%); highest among the groups gnomAD compares: Non-Finnish European, 0.00017%; no homozygotes.

Submissions (2):

Labcorp Genetics (formerly Invitae), Labcorp
Classification: Likely pathogenic for 3-methylglutaconic aciduria with deafness, encephalopathy, and Leigh-like syndrome. Last evaluated: 2023-10-23. Review status: criteria provided, single submitter. Criteria: Invitae Variant Classification Sherloc (09022015). Collection method: clinical testing. Allele origin: germline.
Comment: This sequence change affects a donor splice site in intron 15 of the SERAC1 gene. It is expected to disrupt RNA splicing. Variants that disrupt the donor or acceptor splice site typically lead to a loss of protein function (PMID: 16199547), and loss-of-function variants in SERAC1 are known to be pathogenic (PMID: 22683713). This variant is present in population databases (no rsID available, gnomAD 0.007%). This variant has not been reported in the literature in individuals affected with SERAC1-related conditions. Algorithms developed to predict the effect of sequence changes on RNA splicing suggest that this variant may disrupt the consensus splice site. In summary, the currently available evidence indicates that the variant is pathogenic, but additional data are needed to prove that conclusively. Therefore, this variant has been classified as Likely Pathogenic.

Dr. Peter K. Rogan Lab, Western University
No classification provided (evidence only). Condition: Ovarian serous cystadenocarcinoma. Review status: no classification provided. Collection method: in vitro. Allele origin: not applicable. Functional consequence: retained intron. Not counted in ClinVar's aggregate classification.

Literature cited by the submitters: PubMed 16199547 (cited by Labcorp Genetics (formerly Invitae), Labcorp); PubMed 22683713 (cited by Labcorp Genetics (formerly Invitae), Labcorp).

NM_032861.4(SERAC1):c.1684+2T>C

Gene: SERAC1 (serine active site containing 1; minus strand). Cytogenetic location: 6q25.3.
Variant type: single nucleotide variant.
Coding change: c.1684+2T>C on transcript NM_032861.4 (MANE Select); the canonical splice donor site of the intron after coding-DNA position 1684, T replaced by C.
Molecular consequence: splice donor variant. On other transcripts: non-coding transcript variant (1).
Genome position (GRCh38, 1-based): chr6:158,114,787, A>G on the plus strand (T>C on the coding strand, the complement: SERAC1 is on the minus strand). VCF-style: chr6-158114787-A-G. GRCh37 (hg19) VCF-style: chr6-158535819-A-G.
Identifiers: ClinVar variation 2864130 (VCV002864130.4), dbSNP rs1274076957, ClinGen allele CA366254873.